The following is an entry in ClinVar:

NM_001172509.2(SATB2):c.2010G>A (p.Val670=)

Genes: SATB2 (SATB homeobox 2; minus strand), LOC126806462 (MED14-independent group 3 enhancer GRCh37_chr2:200136608-200137807; plus strand). Cytogenetic location: 2q33.1.
Variant type: single nucleotide variant.
Coding change: c.2010G>A on transcript NM_001172509.2 (MANE Select); coding-DNA position 2010, G replaced by A.
Protein change: p.Val670=; no amino-acid change (valine 670 retained).
Molecular consequence: synonymous variant.
Genome position (GRCh38, 1-based): chr2:199,272,403, C>T on the plus strand (G>A on the coding strand, the complement: SATB2 is on the minus strand). VCF-style: chr2-199272403-C-T. GRCh37 (hg19) VCF-style: chr2-200137126-C-T.
Other names: c.2010G>A, p.Val670= (NM_015265.4, NM_001172517.1); c.2010G>A (NM_015265.3).
Identifiers: ClinVar variation 2789501 (VCV002789501.5), dbSNP rs1180696859, ClinGen allele CA430835212.

ClinVar aggregate classification (germline): Likely benign. Review status: criteria provided, single submitter (1 of 4 stars). 2 submissions from 2 submitters: Likely benign (1). 1 of the submissions does not count toward it. Last evaluated 2023-03-26.

Conditions:
Chromosome 2q32-q33 deletion syndrome (GLASS). Also called: Glass syndrome; 2q33.1 deletion syndrome. Identifiers: Orphanet 251019, MedGen C2676739, MONDO:0012864, OMIM 612313.
SATB2-related disorder. Also called: SATB2-related condition.

Allele frequency attached by ClinVar (database versions not stated): gnomAD exomes below 0.00001; TOPMed 0.00002.
gnomAD v4.1: 3 of 1,614,174 alleles (0.00019%); highest among the groups gnomAD compares: Non-Finnish European, 0.00025%; no homozygotes.

Submissions (2):

Labcorp Genetics (formerly Invitae), Labcorp
Classification: Likely benign for Chromosome 2q32-q33 deletion syndrome. Last evaluated: 2023-03-26. Review status: criteria provided, single submitter. Criteria: Invitae Variant Classification Sherloc (09022015). Collection method: clinical testing. Allele origin: germline.

PreventionGenetics, part of Exact Sciences
Classification: Likely benign for SATB2-related condition. Last evaluated: 2020-01-24. Review status: no assertion criteria provided. Collection method: clinical testing. Allele origin: germline. Not counted in ClinVar's aggregate classification.
Comment: This variant is classified as likely benign based on ACMG/AMP sequence variant interpretation guidelines (Richards et al. 2015 PMID: 25741868, with internal and published modifications).